The following is an entry in ClinVar:

ClinVar aggregate classification (germline): Likely pathogenic (1 of 4 stars; one submission).

Conditions:
Orofacial cleft 6, susceptibility to (OFC6). Also called: CLEFT LIP WITH OR WITHOUT CLEFT PALATE, NONSYNDROMIC, 6. Identifiers: MedGen C1837213, MONDO:0012141, OMIM 608864.
Popliteal pterygium syndrome (PPS). Identifiers: Orphanet 294963, MedGen C0265259, MONDO:0017435.
Van der Woude syndrome. Identifiers: Orphanet 888, MedGen C0175697, MONDO:0019508.

Submission:

Labcorp Genetics (formerly Invitae), Labcorp
Classification: Likely pathogenic for Orofacial cleft 6, susceptibility to; Van der Woude syndrome; Popliteal pterygium syndrome. Last evaluated: 2025-11-08. Review status: criteria provided, single submitter. Criteria: Invitae Variant Classification Sherloc (09022015). Collection method: clinical testing. Allele origin: germline.
Comment: This variant occurs in a non-coding region of the IRF6 gene. It does not change the encoded amino acid sequence of the IRF6 protein. This variant is not present in population databases (gnomAD no frequency). This variant has been observed in individuals with clinical features of Van der Woude syndrome (PMID: 19282774; internal data). Experimental studies and prediction algorithms are not available or were not evaluated, and the effect of this variant on mRNA splicing is currently unknown. In summary, the currently available evidence indicates that the variant is pathogenic, but additional data are needed to prove that conclusively. Therefore, this variant has been classified as Likely Pathogenic.

Literature cited by the submitters: PubMed 19282774.

NM_006147.4(IRF6):c.-151G>A

Gene: IRF6 (interferon regulatory factor 6; minus strand). Cytogenetic location: 1q32.2.
Variant type: single nucleotide variant.
Coding change: c.-151G>A on transcript NM_006147.4 (MANE Select); 151 bases upstream of the start codon, G replaced by A.
Molecular consequence: 5 prime UTR variant.
Genome position (GRCh38, 1-based): chr1:209,806,022, C>T on the plus strand (G>A on the coding strand, the complement: IRF6 is on the minus strand). VCF-style: chr1-209806022-C-T. GRCh37 (hg19) VCF-style: chr1-209979367-C-T.
Other names: c.-187G>A (NM_001206696.2).
Identifiers: ClinVar variation 4783529 (VCV004783529.1).